The following is an entry in ClinVar:

NM_001365276.2(TNXB):c.5161G>A (p.Gly1721Ser)

Gene: TNXB (tenascin XB; minus strand). Cytogenetic location: 6p21.33.
Variant type: single nucleotide variant.
Coding change: c.5161G>A on transcript NM_001365276.2 (MANE Select); coding-DNA position 5161, G replaced by A.
Protein change: p.Gly1721Ser; replaces glycine 1721 with serine.
Molecular consequence: missense variant.
Genome position (GRCh38, 1-based): chr6:32,070,244, C>T on the plus strand (G>A on the coding strand, the complement: TNXB is on the minus strand). VCF-style: chr6-32070244-C-T. GRCh37 (hg19) VCF-style: chr6-32038021-C-T.
Other names: c.5902G>A, p.Gly1968Ser (NM_001428335.1); c.5161G>A, p.Gly1721Ser (NM_019105.8); short protein forms G1721S, G1968S.
Identifiers: ClinVar variation 5031056 (VCV005031056.1).

ClinVar aggregate classification (germline): Uncertain significance (1 of 4 stars; one submission).

Conditions:
Cardiovascular phenotype. Identifiers: MedGen CN230736.

gnomAD v4.1: 2 of 1,612,882 alleles (0.00012%); highest among the groups gnomAD compares: South Asian, 0.0022%; no homozygotes.

Submission:

Ambry Genetics
Classification: Uncertain significance for Cardiovascular phenotype. Last evaluated: 2026-09-09. Review status: criteria provided, single submitter. Criteria: Ambry Variant Classification Scheme 2023. Collection method: clinical testing. Allele origin: germline.
Comment: The c.5161G>A (p.G1721S) alteration is located in exon 14 (coding exon 13) of the TNXB gene. This alteration results from a G to A substitution at nucleotide position 5161, causing the glycine (G) at amino acid position 1721 to be replaced by a serine (S). Based on data from gnomAD, the A allele has an overall frequency of 0.001% (2/248480) total alleles studied. The highest observed frequency was 0.007% (2/30576) of South Asian alleles. Based on insufficient or conflicting evidence, the clinical significance of this alteration remains unclear.